The following is an entry in ClinVar:

ClinVar aggregate classification (germline): Uncertain significance (1 of 4 stars; one submission).

Conditions:
Inborn genetic diseases. Identifiers: MedGen C0950123, MeSH D030342.

gnomAD v4.1: 1 of 1,613,836 alleles (0.000062%); highest among the groups gnomAD compares: Non-Finnish European, 0.000085%; no homozygotes.

Submission:

Ambry Genetics
Classification: Uncertain significance for Inborn genetic diseases. Last evaluated: 2026-07-11. Review status: criteria provided, single submitter. Criteria: Ambry Variant Classification Scheme 2023. Collection method: clinical testing. Allele origin: germline.
Comment: The p.D388G variant (also known as c.1163A>G), located in coding exon 10 of the ANKRD26 gene, results from an A to G substitution at nucleotide position 1163. The aspartic acid at codon 388 is replaced by glycine, an amino acid with similar properties. This amino acid position is conserved. In addition, this alteration is predicted to be tolerated by in silico analysis. Based on the available evidence, the clinical significance of this variant remains unclear.

NM_014915.3(ANKRD26):c.1163A>G (p.Asp388Gly)

Gene: ANKRD26 (ankyrin repeat domain 26; minus strand). Cytogenetic location: 10p12.1.
Variant type: single nucleotide variant.
Coding change: c.1163A>G on transcript NM_014915.3 (MANE Select); coding-DNA position 1163, A replaced by G.
Protein change: p.Asp388Gly; replaces aspartic acid 388 with glycine.
Molecular consequence: missense variant.
Genome position (GRCh38, 1-based): chr10:27,067,201, T>C on the plus strand (A>G on the coding strand, the complement: ANKRD26 is on the minus strand). VCF-style: chr10-27067201-T-C. GRCh37 (hg19) VCF-style: chr10-27356130-T-C.
Other names: c.1163A>G, p.Asp388Gly (NM_001256053.2); short protein forms D388G.
Identifiers: ClinVar variation 5022985 (VCV005022985.1).